The following is an entry in ClinVar:

NM_022773.4(LMF1):c.514+218C>A

Genes: LMF1 (lipase maturation factor 1; minus strand), LMF1-AS1 (LMF1 antisense RNA 1; plus strand). Cytogenetic location: 16p13.3.
Variant type: single nucleotide variant.
Coding change: c.514+218C>A on transcript NM_022773.4 (MANE Select); 218 bases into the intron after coding-DNA position 514, C replaced by A.
Molecular consequence: intron variant. On other transcripts: non-coding transcript variant (2), missense variant (1).
Genome position (GRCh38, 1-based): chr16:934,026, G>T on the plus strand (C>A on the coding strand, the complement: LMF1 is on the minus strand). VCF-style: chr16-934026-G-T. GRCh37 (hg19) VCF-style: chr16-984026-G-T.
Other names: c.80C>A, p.Thr27Lys (NM_001352018.2); c.187+218C>A (NM_001352019.2); c.-290+218C>A (NM_001352017.2); c.514+218C>A (NM_001352020.1); c.-138+164C>A (NM_001352021.2); short protein forms T27K.
Identifiers: ClinVar variation 3345650 (VCV003345650.1).

ClinVar aggregate classification (germline): Uncertain significance (0 of 4 stars; one submission).

Conditions:
LMF1-related disorder. Also called: LMF1-related condition.

Submission:

PreventionGenetics, part of Exact Sciences
Classification: Uncertain significance for LMF1-related condition. Last evaluated: 2024-07-31. Review status: no assertion criteria provided. Collection method: clinical testing. Allele origin: germline.
Comment: The LMF1 c.80C>A variant is predicted to result in the amino acid substitution p.Thr27Lys. To our knowledge, this variant has not been reported in the literature. This variant is reported in 0.0066% of alleles in individuals of African descent in gnomAD. At this time, the clinical significance of this variant is uncertain due to the absence of conclusive functional and genetic evidence.